The following is an entry in ClinVar:

NM_003172.4(SURF1):c.-25G>A

Gene: SURF1 (SURF1 cytochrome c oxidase assembly factor; minus strand). Cytogenetic location: 9q34.2.
Variant type: single nucleotide variant.
Coding change: c.-25G>A on transcript NM_003172.4 (MANE Select); 25 bases upstream of the start codon, G replaced by A.
Molecular consequence: 5 prime UTR variant.
Genome position (GRCh38, 1-based): chr9:133,356,478, C>T on the plus strand (G>A on the coding strand, the complement: SURF1 is on the minus strand). VCF-style: chr9-133356478-C-T. GRCh37 (hg19) VCF-style: chr9-136223354-C-T.
Other names: c.-300G>A (NM_001280787.1).
Identifiers: ClinVar variation 382282 (VCV000382282.1), dbSNP rs925169754, ClinGen allele CA16606325.

ClinVar aggregate classification (germline): Likely benign (1 of 4 stars; one submission).

Allele frequency attached by ClinVar (database versions not stated): gnomAD exomes below 0.00001; TOPMed 0.00006; gnomAD 0.00007 and 0.00008.
gnomAD v4.1: 15 of 1,427,810 alleles (0.0011%); highest among the groups gnomAD compares: African/African-American, 0.019%; no homozygotes.

Submission:

GeneDx
Classification: Likely benign. Last evaluated: 2016-02-01. Review status: criteria provided, single submitter. Criteria: GeneDx Variant Classification (06012015). Collection method: clinical testing. Allele origin: germline. Affected: yes.
Comment: This variant is considered likely benign or benign based on one or more of the following criteria: it is a conservative change, it occurs at a poorly conserved position in the protein, it is predicted to be benign by multiple in silico algorithms, and/or has population frequency not consistent with disease.